The following is an entry in ClinVar:

ClinVar aggregate classification (germline): Uncertain significance. Review status: criteria provided, single submitter (1 of 4 stars). 2 submissions from 2 submitters: Uncertain significance (1). 1 of the submissions does not count toward it. Last evaluated 2022-08-19.

Conditions:
TTC21B-related disorder. Also called: TTC21B-related condition; TTC21B-related disorders.
Jeune thoracic dystrophy. Also called: Short-rib thoracic dysplasia; Jeune syndrome; Infantile thoracic dystrophy; Thoracic pelvic phalangeal dystrophy; Jeune's syndrome; Chondroectodermal dysplasia-like syndrome. Identifiers: Orphanet 474, MedGen C0265275, MONDO:0018770.
Nephronophthisis. Also called: Juvenile Nephronophthisis. Identifiers: Orphanet 655, MedGen C0687120, MONDO:0019005, HP:0000090.

Allele frequency attached by ClinVar (database versions not stated): gnomAD exomes below 0.00001; ExAC 0.00001; gnomAD 0.00004; TOPMed 0.00004.
gnomAD v4.1: 8 of 1,613,980 alleles (0.0005%); highest among the groups gnomAD compares: African/African-American, 0.0093%; no homozygotes.

Submissions (2):

Labcorp Genetics (formerly Invitae), Labcorp
Classification: Uncertain significance for Jeune thoracic dystrophy; Nephronophthisis. Last evaluated: 2022-08-19. Review status: criteria provided, single submitter. Criteria: Invitae Variant Classification Sherloc (09022015). Collection method: clinical testing. Allele origin: germline.
Comment: This sequence change replaces valine, which is neutral and non-polar, with aspartic acid, which is acidic and polar, at codon 876 of the TTC21B protein (p.Val876Asp). This variant is present in population databases (rs778323205, gnomAD 0.008%). This variant has not been reported in the literature in individuals affected with TTC21B-related conditions. Algorithms developed to predict the effect of missense changes on protein structure and function are either unavailable or do not agree on the potential impact of this missense change (SIFT: "Deleterious"; PolyPhen-2: "Possibly Damaging"; Align-GVGD: "Class C0"). In summary, the available evidence is currently insufficient to determine the role of this variant in disease. Therefore, it has been classified as a Variant of Uncertain Significance.

PreventionGenetics, part of Exact Sciences
Classification: Uncertain significance for TTC21B-related condition. Last evaluated: 2024-09-18. Review status: no assertion criteria provided. Collection method: clinical testing. Allele origin: germline. Not counted in ClinVar's aggregate classification.
Comment: The TTC21B c.2627T>A variant is predicted to result in the amino acid substitution p.Val876Asp. To our knowledge, this variant has not been reported in the literature. This variant is reported in 0.0080% of alleles in individuals of African descent in gnomAD. At this time, the clinical significance of this variant is uncertain due to the absence of conclusive functional and genetic evidence.

NM_024753.5(TTC21B):c.2627T>A (p.Val876Asp)

Gene: TTC21B (tetratricopeptide repeat domain 21B; minus strand). Cytogenetic location: 2q24.3.
Variant type: single nucleotide variant.
Coding change: c.2627T>A on transcript NM_024753.5 (MANE Select); coding-DNA position 2627, T replaced by A.
Protein change: p.Val876Asp; replaces valine 876 with aspartic acid.
Molecular consequence: missense variant.
Genome position (GRCh38, 1-based): chr2:165,901,852, A>T on the plus strand (T>A on the coding strand, the complement: TTC21B is on the minus strand). VCF-style: chr2-165901852-A-T. GRCh37 (hg19) VCF-style: chr2-166758362-A-T.
Other names: c.2627T>A (NM_024753.4); short protein forms V876D.
Identifiers: ClinVar variation 2192277 (VCV002192277.2), dbSNP rs778323205, ClinGen allele CA1941760.